The following is an entry in ClinVar:

ClinVar aggregate classification (germline): Likely pathogenic (1 of 4 stars; one submission).

Conditions:
Cardiomyopathy, familial hypertrophic 27. Identifiers: MedGen C4748014, MONDO:0054838, OMIM 618052.

Submission:

Petrovsky National Research Centre of Surgery, The Federal Agency for Scientific Organizations
Classification: Likely pathogenic for Cardiomyopathy, familial hypertrophic 27. Last evaluated: 2023-02-13. Review status: criteria provided, single submitter. Criteria: ACMG Guidelines, 2015. Collection method: clinical testing. Allele origin: germline. Inheritance: Autosomal dominant inheritance. Affected: yes. Observed: 1 heterozygote.
Comment: The c.4689G>A is absent in The Genome Aggregation Database (gnomAD) (Date of access: 13-02-2023). Clinvar does not contain an entry for this variant, alternative variant c.4688G>A (p.Trp1563*) has an entry in ClinVar (Variatio ID: 548940). Interpretation of nonsense variant was done in accordance with ACMG/AMP recommendations for interpreting the loss of function PVS1 (PMID: 30192042) and AutoPVS1 tool (PMID: 32442321). In accordance with ACMG(2015) criteria this variant is classified as Likely Pathogenic with following criteria selected: PVS1_VeryStrong, PM2.

Literature cited by the submitters: PubMed 30192042; PubMed 34526680; PubMed 34263907; PubMed 32442321.

NM_020778.5(ALPK3):c.4689G>A (p.Trp1563Ter)

Gene: ALPK3 (alpha kinase 3; plus strand). Cytogenetic location: 15q25.3.
Variant type: single nucleotide variant.
Coding change: c.4689G>A on transcript NM_020778.5 (MANE Select); coding-DNA position 4689, G replaced by A.
Protein change: p.Trp1563Ter; replaces tryptophan 1563 with a stop codon.
Molecular consequence: nonsense.
Genome position (GRCh38, 1-based): chr15:84,864,631, G>A. VCF-style: chr15-84864631-G-A. GRCh37 (hg19) VCF-style: chr15-85407862-G-A.
Other names: p.Trp1563*; short protein forms W1563*.
Identifiers: ClinVar variation 2429742 (VCV002429742.2), dbSNP rs2505729878, ClinGen allele CA393365313.